The following is an entry in ClinVar:

NM_000361.3(THBD):c.200C>T (p.Ala67Val)

Gene: THBD (thrombomodulin; minus strand). Cytogenetic location: 20p11.21.
Variant type: single nucleotide variant.
Coding change: c.200C>T on transcript NM_000361.3 (MANE Select); coding-DNA position 200, C replaced by T.
Protein change: p.Ala67Val; replaces alanine 67 with valine.
Molecular consequence: missense variant.
Genome position (GRCh38, 1-based): chr20:23,049,305, G>A on the plus strand (C>T on the coding strand, the complement: THBD is on the minus strand). VCF-style: chr20-23049305-G-A. GRCh37 (hg19) VCF-style: chr20-23029942-G-A.
Other names: short protein forms A67V.
Identifiers: ClinVar variation 2823676 (VCV002823676.3), dbSNP rs762651890, ClinGen allele CA408408175.

ClinVar aggregate classification (germline): Uncertain significance (1 of 4 stars; one submission).

Submission:

Labcorp Genetics (formerly Invitae), Labcorp
Classification: Uncertain significance. Last evaluated: 2024-04-10. Review status: criteria provided, single submitter. Criteria: Invitae Variant Classification Sherloc (09022015). Collection method: clinical testing. Allele origin: germline.
Comment: This sequence change replaces alanine, which is neutral and non-polar, with valine, which is neutral and non-polar, at codon 67 of the THBD protein (p.Ala67Val). This variant is not present in population databases (gnomAD no frequency). This variant has not been reported in the literature in individuals affected with THBD-related conditions. Advanced modeling of protein sequence and biophysical properties (such as structural, functional, and spatial information, amino acid conservation, physicochemical variation, residue mobility, and thermodynamic stability) performed at Invitae indicates that this missense variant is expected to disrupt THBD protein function with a positive predictive value of 80%. In summary, the available evidence is currently insufficient to determine the role of this variant in disease. Therefore, it has been classified as a Variant of Uncertain Significance.